The following is an entry in ClinVar:

NM_001844.5(COL2A1):c.2018C>T (p.Pro673Leu)

Gene: COL2A1 (collagen type II alpha 1 chain; minus strand). Cytogenetic location: 12q13.11.
Variant type: single nucleotide variant.
Coding change: c.2018C>T on transcript NM_001844.5 (MANE Select); coding-DNA position 2018, C replaced by T.
Protein change: p.Pro673Leu; replaces proline 673 with leucine.
Molecular consequence: missense variant.
Genome position (GRCh38, 1-based): chr12:47,983,416, G>A on the plus strand (C>T on the coding strand, the complement: COL2A1 is on the minus strand). VCF-style: chr12-47983416-G-A. GRCh37 (hg19) VCF-style: chr12-48377199-G-A.
Other names: c.1811C>T, p.Pro604Leu (NM_033150.3); c.2018C>T (NM_001844.4); short protein forms P604L, P673L.
Identifiers: ClinVar variation 1051692 (VCV001051692.10), dbSNP rs570533789, ClinGen allele CA6535281.

ClinVar aggregate classification (germline): Uncertain significance. Review status: criteria provided, multiple submitters, no conflicts (2 of 4 stars). 3 submissions from 3 submitters: Uncertain significance (3). Last evaluated 2025-09-11.

Conditions:
COL2A1-related disorder. Also called: COL2A1-related condition; COL2A1-related disorders.
Inborn genetic diseases. Identifiers: MedGen C0950123, MeSH D030342.

Allele frequency attached by ClinVar (database versions not stated): gnomAD exomes below 0.00001; ExAC 0.00001; gnomAD 0.00001; 1000 Genomes Project 0.00020; 1000 Genomes Project 30x 0.00031.
gnomAD v4.1: 1 of 1,614,130 alleles (0.000062%); highest among the groups gnomAD compares: Non-Finnish European, 0.000085%; no homozygotes.

Submissions (3):

Ambry Genetics
Classification: Uncertain significance for Inborn genetic diseases. Last evaluated: 2025-09-11. Review status: criteria provided, single submitter. Criteria: Ambry Variant Classification Scheme 2023. Collection method: clinical testing. Allele origin: germline.

PreventionGenetics, part of Exact Sciences
Classification: Uncertain significance for COL2A1-related condition. Last evaluated: 2023-09-28. Review status: criteria provided, single submitter. Criteria: ACMG Guidelines, 2015. Collection method: clinical testing. Allele origin: germline.
Comment: The COL2A1 c.2018C>T variant is predicted to result in the amino acid substitution p.Pro673Leu. To our knowledge, this variant has not been reported in the literature. This variant is reported in 0.00088% of alleles in individuals of European (Non-Finnish) descent in gnomAD. At this time, the clinical significance of this variant is uncertain due to the absence of conclusive functional and genetic evidence.

Labcorp Genetics (formerly Invitae), Labcorp
Classification: Uncertain significance. Last evaluated: 2020-07-30. Review status: criteria provided, single submitter. Criteria: Invitae Variant Classification Sherloc (09022015). Collection method: clinical testing. Allele origin: germline.
Comment: Advanced modeling of protein sequence and biophysical properties (such as structural, functional, and spatial information, amino acid conservation, physicochemical variation, residue mobility, and thermodynamic stability) performed at Invitae indicates that this missense variant is not expected to disrupt COL2A1 protein function. This variant has not been reported in the literature in individuals with COL2A1-related conditions. This variant is present in population databases (rs570533789, ExAC 0.002%). This sequence change replaces proline with leucine at codon 673 of the COL2A1 protein (p.Pro673Leu). The proline residue is moderately conserved and there is a moderate physicochemical difference between proline and leucine. In summary, the available evidence is currently insufficient to determine the role of this variant in disease. Therefore, it has been classified as a Variant of Uncertain Significance.